The following is an entry in ClinVar:

NM_014712.3(SETD1A):c.1530_1532del (p.Glu515del)

Gene: SETD1A (SET domain containing 1A, histone lysine methyltransferase; plus strand). Cytogenetic location: 16p11.2.
Variant type: Deletion.
Coding change: c.1530_1532del on transcript NM_014712.3 (MANE Select); coding-DNA positions 1530 to 1532, 3 bases deleted (AGA; older notation c.1530_1532delAGA).
Protein change: p.Glu515del; deletes glutamic acid 515.
Molecular consequence: inframe deletion.
Genome position (GRCh38, 1-based): chr16:30,965,272-30,965,274, AGA deleted. VCF-style (leftmost placement, unchanged base first): chr16-30965271-CAGA-C. GRCh37 (hg19) VCF-style: chr16-30976592-CAGA-C.
Other names: short protein forms E515del.
Identifiers: ClinVar variation 2662920 (VCV002662920.2), dbSNP rs2056123353, ClinGen allele CA2216809616.

ClinVar aggregate classification (germline): Uncertain significance (1 of 4 stars; one submission).

Allele frequency attached by ClinVar (database versions not stated): gnomAD exomes below 0.00001; TOPMed below 0.00001.

Submission:

GeneDx
Classification: Uncertain significance. Last evaluated: 2025-05-28. Review status: criteria provided, single submitter. Criteria: GeneDx Variant Classification Process June 2021. Collection method: clinical testing. Allele origin: germline.
Comment: Not observed at significant frequency in large population cohorts (gnomAD); In-frame deletion of 1 amino acid in a non-repeat region; In silico analysis supports a deleterious effect on protein structure/function; Has not been previously published as pathogenic or benign to our knowledge